The following is an entry in ClinVar:

ClinVar aggregate classification (germline): Uncertain significance. Review status: criteria provided, multiple submitters, no conflicts (2 of 4 stars). 2 submissions from 2 submitters: Uncertain significance (2). Last evaluated 2021-02-27.

Conditions:
Hereditary spastic paraplegia. Also called: Familial spastic paraparesis. Identifiers: Orphanet 685, MedGen C0037773, MONDO:0019064. Disease mechanism: loss of function.

Allele frequency attached by ClinVar (database versions not stated): TOPMed below 0.00001; gnomAD exomes 0.00001.
gnomAD v4.1: 3 of 1,613,096 alleles (0.00019%); highest among the groups gnomAD compares: South Asian, 0.0011%; no homozygotes.

Submissions (2):

GeneDx
Classification: Uncertain significance. Last evaluated: 2021-02-27. Review status: criteria provided, single submitter. Criteria: GeneDx Variant Classification Process June 2021. Collection method: clinical testing. Allele origin: germline. Affected: yes.
Comment: Not observed in large population cohorts (Lek et al., 2016); In silico analysis supports that this missense variant does not alter protein structure/function; Has not been previously published as pathogenic or benign to our knowledge

Genome Diagnostics Laboratory, The Hospital for Sick Children
Classification: Uncertain significance for Hereditary spastic paraplegia. Last evaluated: 2016-12-12. Review status: criteria provided, single submitter. Criteria: ACMG Guidelines, 2015. Collection method: clinical testing. Allele origin: germline. Affected: yes.

NM_001166114.2(PNPLA6):c.1412G>A (p.Ser471Asn)

Gene: PNPLA6 (patatin like domain 6, lysophospholipase; plus strand). Cytogenetic location: 19p13.2.
Variant type: single nucleotide variant.
Coding change: c.1412G>A on transcript NM_001166114.2 (MANE Select); coding-DNA position 1412, G replaced by A.
Protein change: p.Ser471Asn; replaces serine 471 with asparagine.
Molecular consequence: missense variant.
Genome position (GRCh38, 1-based): chr19:7,542,810, G>A. VCF-style: chr19-7542810-G-A. GRCh37 (hg19) VCF-style: chr19-7607696-G-A.
Other names: c.1439G>A, p.Ser480Asn (NM_001166111.2); c.1295G>A, p.Ser432Asn (NM_001166112.2, NM_001166113.1, NM_006702.5); short protein forms S432N, S471N, S480N.
Identifiers: ClinVar variation 1215193 (VCV001215193.6), dbSNP rs2023216883, ClinGen allele CA403112917.
Genomic context (GRCh38, chr19:7,542,810, plus strand): 5'-GCCCCACTCAGACCCCCACTCAGGAGCCTCGTGAGCAGCCGGCAGGCGCCTGTGAATACA[G>A]CTACTGTGAGGATGAGTCGGCCACTGGTGGCTGCCCTTTCGGGCCCTACCAGGGCCGCCA-3'
Protein context (NP_001159586.1, residues 461-481): REQPAGACEY[Ser471Asn]YCEDESATGG